The following is an entry in ClinVar:

ClinVar aggregate classification (germline): Uncertain significance. Review status: criteria provided, multiple submitters, no conflicts (2 of 4 stars). 2 submissions from 2 submitters: Uncertain significance (2). Last evaluated 2025-06-12.

Conditions:
Hereditary cancer-predisposing syndrome. Also called: Neoplastic Syndromes, Hereditary; Hereditary Cancer Syndrome; Hereditary neoplastic syndrome; Tumor predisposition. Identifiers: Orphanet 140162, MedGen C0027672, MeSH D009386, MONDO:0015356.
Gorlin syndrome. Also called: Basal cell nevus syndrome; Nevoid Basal Cell Carcinoma Syndrome. Identifiers: Orphanet 377, MedGen C0004779, MONDO:0007187.

Allele frequency attached by ClinVar (database versions not stated): gnomAD exomes below 0.00001; gnomAD 0.00001; 1000 Genomes Project 30x 0.00016; 1000 Genomes Project 0.00020.

Submissions (2):

Ambry Genetics
Classification: Uncertain significance for Hereditary cancer-predisposing syndrome. Last evaluated: 2025-06-12. Review status: criteria provided, single submitter. Criteria: Ambry Variant Classification Scheme 2023. Collection method: clinical testing. Allele origin: germline.
Comment: The p.P1387L variant (also known as c.4160C>T), located in coding exon 23 of the PTCH1 gene, results from a C to T substitution at nucleotide position 4160. The proline at codon 1387 is replaced by leucine, an amino acid with similar properties. This amino acid position is conserved. In addition, this alteration is predicted to be tolerated by in silico analysis. Since supporting evidence is limited at this time, the clinical significance of this alteration remains unclear.

Labcorp Genetics (formerly Invitae), Labcorp
Classification: Uncertain significance for Gorlin syndrome. Last evaluated: 2021-08-24. Review status: criteria provided, single submitter. Criteria: Invitae Variant Classification Sherloc (09022015). Collection method: clinical testing. Allele origin: germline.
Comment: This sequence change replaces proline with leucine at codon 1387 of the PTCH1 protein (p.Pro1387Leu). The proline residue is weakly conserved and there is a moderate physicochemical difference between proline and leucine. This variant is not present in population databases (ExAC no frequency). This variant has not been reported in the literature in individuals affected with PTCH1-related conditions. ClinVar contains an entry for this variant (Variation ID: 644551). Algorithms developed to predict the effect of missense changes on protein structure and function are either unavailable or do not agree on the potential impact of this missense change (SIFT: "Deleterious"; PolyPhen-2: "Benign"; Align-GVGD: "Class C0"). In summary, the available evidence is currently insufficient to determine the role of this variant in disease. Therefore, it has been classified as a Variant of Uncertain Significance.

NM_000264.5(PTCH1):c.4160C>T (p.Pro1387Leu)

Gene: PTCH1 (patched 1; minus strand). Cytogenetic location: 9q22.32.
Variant type: single nucleotide variant.
Coding change: c.4160C>T on transcript NM_000264.5 (MANE Select); coding-DNA position 4160, C replaced by T.
Protein change: p.Pro1387Leu; replaces proline 1387 with leucine.
Molecular consequence: missense variant. On other transcripts: non-coding transcript variant (1).
Genome position (GRCh38, 1-based): chr9:95,447,096, G>A on the plus strand (C>T on the coding strand, the complement: PTCH1 is on the minus strand). VCF-style: chr9-95447096-G-A. GRCh37 (hg19) VCF-style: chr9-98209378-G-A.
Other names: c.3962C>T, p.Pro1321Leu (NM_001083602.3); c.4157C>T, p.Pro1386Leu (NM_001083603.3); c.3707C>T, p.Pro1236Leu (NM_001083604.3, NM_001083605.3, NM_001083606.3 and 1 more transcripts); c.4004C>T, p.Pro1335Leu (NM_001354918.2); short protein forms P1386L, P1335L, P1387L, P1236L, P1321L.
Identifiers: ClinVar variation 644551 (VCV000644551.9), dbSNP rs552921967, ClinGen allele CA196557698.